The following is an entry in ClinVar:

NM_001317778.2(SFTPC):c.201+3G>A

Gene: SFTPC (surfactant protein C; plus strand). Cytogenetic location: 8p21.3.
Variant type: single nucleotide variant.
Coding change: c.201+3G>A on transcript NM_001317778.2 (MANE Select); 3 bases into the intron after coding-DNA position 201, G replaced by A.
Molecular consequence: intron variant.
Genome position (GRCh38, 1-based): chr8:22,162,735, G>A. VCF-style: chr8-22162735-G-A. GRCh37 (hg19) VCF-style: chr8-22020248-G-A.
Other names: c.201+3G>A (NM_003018.4, NM_001172410.2, NM_001172357.2 and 1 more transcripts); c.43-345G>A (NM_001317779.2).
Identifiers: ClinVar variation 508023 (VCV000508023.4), dbSNP rs371998882, ClinGen allele CA4663921.

ClinVar aggregate classification (germline): Conflicting classifications of pathogenicity. Review status: criteria provided, conflicting classifications (1 of 4 stars). 2 submissions from 2 submitters: Uncertain significance (1); Likely benign (1). Last evaluated 2023-07-30.

Allele frequency attached by ClinVar (database versions not stated): gnomAD exomes 0.00001 and 0.00004; ExAC 0.00002; TOPMed 0.00005; ESP Exome Variant Server 0.00008; gnomAD 0.00008; 1000 Genomes Project 0.00020; 1000 Genomes Project 30x 0.00031.
gnomAD v4.1: 67 of 1,614,110 alleles (0.0042%); highest among the groups gnomAD compares: Non-Finnish European, 0.0054%; no homozygotes.

Submissions (2):

Labcorp Genetics (formerly Invitae), Labcorp
Classification: Uncertain significance. Last evaluated: 2023-07-30. Review status: criteria provided, single submitter. Criteria: Invitae Variant Classification Sherloc (09022015). Collection method: clinical testing. Allele origin: germline.
Comment: In summary, the available evidence is currently insufficient to determine the role of this variant in disease. Therefore, it has been classified as a Variant of Uncertain Significance. Variants that disrupt the consensus splice site are a relatively common cause of aberrant splicing (PMID: 17576681, 9536098). Algorithms developed to predict the effect of sequence changes on RNA splicing suggest that this variant may disrupt the consensus splice site. ClinVar contains an entry for this variant (Variation ID: 508023). This variant has not been reported in the literature in individuals affected with SFTPC-related conditions. The frequency data for this variant in the population databases is considered unreliable, as metrics indicate poor data quality at this position in the gnomAD database. This sequence change falls in intron 2 of the SFTPC gene. It does not directly change the encoded amino acid sequence of the SFTPC protein. It affects a nucleotide within the consensus splice site.

GeneDx
Classification: Likely benign. Last evaluated: 2017-03-15. Review status: criteria provided, single submitter. Criteria: GeneDx Variant Classification (06012015). Collection method: clinical testing. Allele origin: germline. Affected: yes.
Comment: This variant is considered likely benign or benign based on one or more of the following criteria: it is a conservative change, it occurs at a poorly conserved position in the protein, it is predicted to be benign by multiple in silico algorithms, and/or has population frequency not consistent with disease.

Literature cited by the submitters: PubMed 17576681 (cited by Labcorp Genetics (formerly Invitae), Labcorp); PubMed 9536098 (cited by Labcorp Genetics (formerly Invitae), Labcorp).